The following is an entry in ClinVar:

ClinVar aggregate classification (germline): Conflicting classifications of pathogenicity. Review status: criteria provided, conflicting classifications (1 of 4 stars). 2 submissions from 2 submitters: Likely pathogenic (1); Uncertain significance (1). Last evaluated 2022-04-25.

Conditions:
RPGRIP1-related disorder. Also called: RPGRIP1-related condition.
Cone-rod dystrophy 13 (CORD13). Identifiers: Orphanet 1872, MedGen C2750720, MONDO:0011987, OMIM 608194.
Leber congenital amaurosis 6 (LCA6). Identifiers: Orphanet 65, MedGen C1854260, MONDO:0013446, OMIM 613826.

Allele frequency attached by ClinVar (database versions not stated): gnomAD exomes below 0.00001.
gnomAD v4.1: 3 of 1,609,072 alleles (0.00019%); highest among the groups gnomAD compares: Non-Finnish European, 0.00025%; no homozygotes.

Submissions (2):

Labcorp Genetics (formerly Invitae), Labcorp
Classification: Uncertain significance for Leber congenital amaurosis 6; Cone-rod dystrophy 13. Last evaluated: 2022-04-25. Review status: criteria provided, single submitter. Criteria: Invitae Variant Classification Sherloc (09022015). Collection method: clinical testing. Allele origin: germline.
Comment: This sequence change falls in intron 20 of the RPGRIP1 gene. It does not directly change the encoded amino acid sequence of the RPGRIP1 protein. It affects a nucleotide within the consensus splice site. This variant is not present in population databases (gnomAD no frequency). This variant has been observed in individual(s) with RPGRIP1-related conditions (external communication). In at least one individual the data is consistent with being in trans (on the opposite chromosome) from a pathogenic variant. Variants that disrupt the consensus splice site are a relatively common cause of aberrant splicing (PMID: 17576681, 9536098). Algorithms developed to predict the effect of sequence changes on RNA splicing suggest that this variant may disrupt the consensus splice site. In summary, the available evidence is currently insufficient to determine the role of this variant in disease. Therefore, it has been classified as a Variant of Uncertain Significance.

Blueprint Genetics
Classification: Likely pathogenic for RPGRIP1-related disorders. Last evaluated: 2020-10-30. Review status: criteria provided, single submitter. Criteria: ACMG Guidelines, 2015. Collection method: clinical testing. Allele origin: germline. Affected: yes. Observed: 2 variant alleles.

Literature cited by the submitters: PubMed 17576681 (cited by Labcorp Genetics (formerly Invitae), Labcorp); PubMed 9536098 (cited by Labcorp Genetics (formerly Invitae), Labcorp).

NM_020366.4(RPGRIP1):c.3340-3C>G

Gene: RPGRIP1 (RPGR interacting protein 1; plus strand). Cytogenetic location: 14q11.2.
Variant type: single nucleotide variant.
Coding change: c.3340-3C>G on transcript NM_020366.4 (MANE Select); 3 bases into the intron before coding-DNA position 3340, C replaced by G.
Molecular consequence: intron variant.
Genome position (GRCh38, 1-based): chr14:21,343,033, C>G. VCF-style: chr14-21343033-C-G. GRCh37 (hg19) VCF-style: chr14-21811192-C-G.
Other names: c.2266-3C>G (NM_001377948.1); c.1426-3C>G (NM_001377949.1); c.1318-3C>G (NM_001377523.1, NM_001377950.1); c.823-3C>G (NM_001377951.1).
Identifiers: ClinVar variation 1976252 (VCV001976252.3), dbSNP rs2502949449, ClinGen allele CA2575476254.
Genomic context (GRCh38, chr14:21,343,033, plus strand): 5'-TGGCGTATAAGCACTTGGAGCCTCACTAACCTTTAGGAACTAAATAAACATTTTCCTTAT[C>G]AGGATTCAGAGAAGATGTGCATTGAAATTGTCTCCCTGGCCTTCTACCCAGAGGCAGAAG-3'